The following is an entry in ClinVar:

NM_152564.5(VPS13B):c.8654C>T (p.Pro2885Leu)

Gene: VPS13B (vacuolar protein sorting 13 homolog B; plus strand). Cytogenetic location: 8q22.2.
Variant type: single nucleotide variant.
Coding change: c.8654C>T on transcript NM_152564.5 (MANE Select); coding-DNA position 8654, C replaced by T.
Protein change: p.Pro2885Leu; replaces proline 2885 with leucine.
Molecular consequence: missense variant.
Genome position (GRCh38, 1-based): chr8:99,819,444, C>T. VCF-style: chr8-99819444-C-T. GRCh37 (hg19) VCF-style: chr8-100831672-C-T.
Other names: c.8729C>T, p.Pro2910Leu (NM_017890.5); short protein forms P2910L, P2885L.
Identifiers: ClinVar variation 1996722 (VCV001996722.4), dbSNP rs2492013824, ClinGen allele CA371776141.

ClinVar aggregate classification (germline): Uncertain significance (1 of 4 stars; one submission).

Conditions:
Cohen syndrome (COH1). Also called: Cutis verticis gyrata, retinitis pigmentosa, and sensorineural deafness; PEPPER SYNDROME. Identifiers: Orphanet 193, MedGen C0265223, MONDO:0008999, OMIM 216550.

Submission:

Labcorp Genetics (formerly Invitae), Labcorp
Classification: Uncertain significance for Cohen syndrome. Last evaluated: 2022-05-20. Review status: criteria provided, single submitter. Criteria: Invitae Variant Classification Sherloc (09022015). Collection method: clinical testing. Allele origin: germline.
Comment: In summary, the available evidence is currently insufficient to determine the role of this variant in disease. Therefore, it has been classified as a Variant of Uncertain Significance. Algorithms developed to predict the effect of missense changes on protein structure and function are either unavailable or do not agree on the potential impact of this missense change (SIFT: "Not Available"; PolyPhen-2: "Possibly Damaging"; Align-GVGD: "Not Available"). This variant has not been reported in the literature in individuals affected with VPS13B-related conditions. This variant is not present in population databases (gnomAD no frequency). This sequence change replaces proline, which is neutral and non-polar, with leucine, which is neutral and non-polar, at codon 2910 of the VPS13B protein (p.Pro2910Leu).